The following is an entry in ClinVar:

ClinVar aggregate classification (germline): Uncertain significance. Review status: criteria provided, multiple submitters, no conflicts (2 of 4 stars). 8 submissions from 8 submitters: Uncertain significance (7). 1 of the submissions does not count toward it. Last evaluated 2026-02-04.

Conditions:
Usher syndrome. Also called: Usher's syndrome; Usher Syndromes. Identifiers: Orphanet 886, MedGen CN469326, MeSH D052245, MONDO:0019501. Disease mechanism: loss of function.
Retinal dystrophy. Also called: Inherited retinal dystrophy. Identifiers: Orphanet 71862, MedGen C0854723, MeSH D058499, MONDO:0019118, HP:0000556.
Usher syndrome type 2C. Also called: USHER SYNDROME, TYPE IIC; Usher syndrome, type 2B. Identifiers: Orphanet 231178, Orphanet 886, MedGen C2931213, MONDO:0011558, OMIM 605472.
Febrile seizures, familial, 4 (FEB4). Also called: CONVULSIONS, FAMILIAL FEBRILE, 4. Identifiers: MedGen C1858493, MONDO:0011443, OMIM 604352.
ADGRV1-related disorder. Also called: ADGRV1-related condition; ADGRV1-related disorders.
Inborn genetic diseases. Identifiers: MedGen C0950123, MeSH D030342.

Allele frequency attached by ClinVar (database versions not stated): gnomAD exomes 0.00001 and 0.00002; gnomAD 0.00003; TOPMed 0.00003; ExAC 0.00004.
gnomAD v4.1: 26 of 1,598,146 alleles (0.0016%); highest among the groups gnomAD compares: Middle Eastern, 0.016%; no homozygotes.

Submissions (8):

PreventionGenetics, part of Exact Sciences
Classification: Uncertain significance for ADGRV1-related condition. Last evaluated: 2026-02-04. Review status: criteria provided, single submitter. Criteria: ACMG Guidelines, 2015. Collection method: clinical testing. Allele origin: germline.
Comment: The ADGRV1 c.6730G>A variant is predicted to result in the amino acid substitution p.Val2244Ile. To our knowledge, this variant has not been reported in the literature. This variant is reported in 0.0020% of alleles in individuals of European (Non-Finnish) descent in gnomAD. At this time, the clinical significance of this variant is uncertain due to the absence of conclusive functional and genetic evidence.

CeGaT Center for Human Genetics Tuebingen
Classification: Uncertain significance. Last evaluated: 2026-01-01. Review status: criteria provided, single submitter. Criteria: CeGaT Center For Human Genetics Tuebingen Variant Classification Criteria Version 2. Collection method: clinical testing. Allele origin: germline. Affected: yes. Observed: 1 variant allele.
Comment: ADGRV1: PM2, BP4

Blueprint Genetics
Classification: Uncertain significance. Last evaluated: 2024-03-24. Review status: criteria provided, single submitter. Criteria: ACMG Guidelines, 2015. Collection method: clinical testing. Allele origin: germline.

Ambry Genetics
Classification: Uncertain significance for Inborn genetic diseases. Last evaluated: 2023-12-18. Review status: criteria provided, single submitter. Criteria: Ambry Variant Classification Scheme 2023. Collection method: clinical testing. Allele origin: germline.

Labcorp Genetics (formerly Invitae), Labcorp
Classification: Uncertain significance. Last evaluated: 2022-06-08. Review status: criteria provided, single submitter. Criteria: Invitae Variant Classification Sherloc (09022015). Collection method: clinical testing. Allele origin: germline.
Comment: This sequence change replaces valine, which is neutral and non-polar, with isoleucine, which is neutral and non-polar, at codon 2244 of the ADGRV1 protein (p.Val2244Ile). This variant is present in population databases (rs759954556, gnomAD 0.003%). This variant has not been reported in the literature in individuals affected with ADGRV1-related conditions. ClinVar contains an entry for this variant (Variation ID: 1065037). Algorithms developed to predict the effect of missense changes on protein structure and function (SIFT, PolyPhen-2, Align-GVGD) all suggest that this variant is likely to be tolerated. In summary, the available evidence is currently insufficient to determine the role of this variant in disease. Therefore, it has been classified as a Variant of Uncertain Significance.

Fulgent Genetics
Classification: Uncertain significance for Febrile seizures, familial, 4; Usher syndrome type 2C. Last evaluated: 2022-01-13. Review status: criteria provided, single submitter. Criteria: ACMG Guidelines, 2015. Collection method: clinical testing. Allele origin: unknown.

Department of Otolaryngology – Head & Neck Surgery, Cochlear Implant Center
Classification: Uncertain significance for Usher syndrome. Last evaluated: 2021-04-12. Review status: criteria provided, single submitter. Criteria: ClinGen HL ACMG Specifications v1. Collection method: clinical testing. Allele origin: germline. Affected: yes.
Comment: PM2_Moderate, BP5_Supporting

Institute of Human Genetics, Univ. Regensburg, Univ. Regensburg
Classification: Uncertain significance for Retinal dystrophy. Last evaluated: 2023-01-01. Review status: no assertion criteria provided. Criteria: ACMG Guidelines, 2015. Collection method: clinical testing. Allele origin: germline. Affected: yes. Not counted in ClinVar's aggregate classification.

NM_032119.4(ADGRV1):c.6730G>A (p.Val2244Ile)

Gene: ADGRV1 (adhesion G protein-coupled receptor V1; plus strand). Cytogenetic location: 5q14.3.
Variant type: single nucleotide variant.
Coding change: c.6730G>A on transcript NM_032119.4 (MANE Select); coding-DNA position 6730, G replaced by A.
Protein change: p.Val2244Ile; replaces valine 2244 with isoleucine.
Molecular consequence: missense variant. On other transcripts: non-coding transcript variant (1).
Genome position (GRCh38, 1-based): chr5:90,690,820, G>A. VCF-style: chr5-90690820-G-A. GRCh37 (hg19) VCF-style: chr5-89986637-G-A.
Other names: short protein forms V2244I.
Identifiers: ClinVar variation 1065037 (VCV001065037.15), dbSNP rs759954556, ClinGen allele CA3339863.